The following is an entry in ClinVar:

NM_013291.3(CPSF1):c.2894C>T (p.Pro965Leu)

Gene: CPSF1 (cleavage and polyadenylation specific factor 1; minus strand). Cytogenetic location: 8q24.3.
Variant type: single nucleotide variant.
Coding change: c.2894C>T on transcript NM_013291.3 (MANE Select); coding-DNA position 2894, C replaced by T.
Protein change: p.Pro965Leu; replaces proline 965 with leucine.
Molecular consequence: missense variant.
Genome position (GRCh38, 1-based): chr8:144,396,433, G>A on the plus strand (C>T on the coding strand, the complement: CPSF1 is on the minus strand). VCF-style: chr8-144396433-G-A. GRCh37 (hg19) VCF-style: chr8-145621648-G-A.
Other names: short protein forms P965L.
Identifiers: ClinVar variation 3338924 (VCV003338924.1).

ClinVar aggregate classification (germline): Uncertain significance (1 of 4 stars; one submission).

gnomAD v4.1: 7 of 1,596,182 alleles (0.00044%); highest among the groups gnomAD compares: Non-Finnish European, 0.0006%; no homozygotes.

Submission:

Women's Health and Genetics/Laboratory Corporation of America, LabCorp
Classification: Uncertain significance. Last evaluated: 2024-07-12. Review status: criteria provided, single submitter. Criteria: LabCorp Variant Classification Summary - May 2015. Collection method: clinical testing. Allele origin: germline.
Comment: Variant summary: CPSF1 c.2894C>T (p.Pro965Leu) results in a non-conservative amino acid change in the encoded protein sequence. Four of five in-silico tools predict a damaging effect of the variant on protein function. The variant allele was found at a frequency of 4.6e-06 in 218452 control chromosomes. The available data on variant occurrences in the general population are insufficient to allow any conclusion about variant significance. To our knowledge, no occurrence of c.2894C>T in individuals affected with Myopia 27 and no experimental evidence demonstrating its impact on protein function have been reported. No submitters have cited clinical-significance assessments for this variant to ClinVar. Based on the evidence outlined above, the variant was classified as uncertain significance.